The following is an entry in ClinVar:

NM_000051.4(ATM):c.6479_6480dup (p.Arg2161fs)

Genes: ATM (ATM serine/threonine kinase; plus strand), C11orf65 (chromosome 11 open reading frame 65; minus strand). Cytogenetic location: 11q22.3.
Variant type: Duplication.
Coding change: c.6479_6480dup on transcript NM_000051.4 (MANE Select); coding-DNA positions 6479 to 6480, 2 bases duplicated (AG; older notation c.6479_6480dupAG).
Protein change: p.Arg2161fs; shifts the reading frame from arginine 2161.
Molecular consequence: frameshift variant. On other transcripts: intron variant (2).
Genome position (GRCh38, 1-based): chr11:108,321,327-108,321,328, AG duplicated. VCF-style (leftmost placement, unchanged base first): chr11-108321326-A-AAG. GRCh37 (hg19) VCF-style: chr11-108192053-A-AAG.
Other names: c.6479_6480dupAG (NM_000051.3); c.6479_6480dup, p.Arg2161fs (NM_001351834.2); c.641-12257_641-12256dup (NM_001330368.2); c.*39-12257_*39-12256dup (NM_001351110.2); short protein forms R2161fs.
Identifiers: ClinVar variation 4168653 (VCV004168653.1).
Genomic context (GRCh38, chr11:108,321,326, plus strand): 5'-TTATTTTCAGAGTGTCTTTTCTTTTTTGCTACTAGAGTAAAAGAAGTGGAAGAGATGTGT[A>AAG]AGCGCAGCCTTGAGTCTGTGTATTCGCTCTATCCCACACTTAGCAGGTTGCAGGCCATTG-3'

ClinVar aggregate classification (germline): Pathogenic (1 of 4 stars; one submission).

Conditions:
Hereditary cancer-predisposing syndrome. Also called: Neoplastic Syndromes, Hereditary; Tumor predisposition; Hereditary neoplastic syndrome; Hereditary Cancer Syndrome. Identifiers: Orphanet 140162, MedGen C0027672, MeSH D009386, MONDO:0015356.

Submission:

Ambry Genetics
Classification: Pathogenic for Hereditary cancer-predisposing syndrome. Last evaluated: 2025-07-03. Review status: criteria provided, single submitter. Criteria: Ambry Variant Classification Scheme 2023. Collection method: clinical testing. Allele origin: germline.
Comment: The c.6479_6480dupAG pathogenic mutation, located in coding exon 44 of the ATM gene, results from a duplication of AG at nucleotide position 6479, causing a translational frameshift with a predicted alternate stop codon (p.R2161Sfs*75). This variant is considered to be rare based on population cohorts in the Genome Aggregation Database (gnomAD). This alteration is expected to result in loss of function by premature protein truncation or nonsense-mediated mRNA decay. As such, this alteration is interpreted as a disease-causing mutation.